The following is an entry in ClinVar:

ClinVar aggregate classification (germline): Benign/Likely benign. Review status: criteria provided, multiple submitters, no conflicts (2 of 4 stars). 3 submissions from 3 submitters: Benign (1); Likely benign (1). 1 of the submissions does not count toward it. Last evaluated 2025-11-12.

Conditions:
CAST-related disorder. Also called: CAST-related condition.

Allele frequency attached by ClinVar (database versions not stated): TOPMed 0.00002; gnomAD 0.00009; gnomAD exomes 0.00015; 1000 Genomes Project 30x 0.00016; 1000 Genomes Project 0.00020; ExAC 0.00040.
gnomAD v4.1: 228 of 1,603,102 alleles (0.014%); highest among the groups gnomAD compares: South Asian, 0.24%; 8 homozygotes.

Submissions (3):

Labcorp Genetics (formerly Invitae), Labcorp
Classification: Benign. Last evaluated: 2025-11-12. Review status: criteria provided, single submitter. Criteria: Invitae Variant Classification Sherloc (09022015). Collection method: clinical testing. Allele origin: germline.

Blueprint Genetics
Classification: Likely benign. Last evaluated: 2024-06-28. Review status: criteria provided, single submitter. Criteria: ACMG Guidelines, 2015. Collection method: clinical testing. Allele origin: germline.

PreventionGenetics, part of Exact Sciences
Classification: Likely benign for CAST-related condition. Last evaluated: 2019-05-28. Review status: no assertion criteria provided. Collection method: clinical testing. Allele origin: germline. Not counted in ClinVar's aggregate classification.
Comment: This variant is classified as likely benign based on ACMG/AMP sequence variant interpretation guidelines (Richards et al. 2015 PMID: 25741868, with internal and published modifications).

NM_001750.7(CAST):c.270+8G>A

Gene: CAST (calpastatin; plus strand). Cytogenetic location: 5q15.
Variant type: single nucleotide variant.
Coding change: c.270+8G>A on transcript NM_001750.7 (MANE Select); 8 bases into the intron after coding-DNA position 270, G replaced by A.
Molecular consequence: intron variant.
Genome position (GRCh38, 1-based): chr5:96,722,706, G>A. VCF-style: chr5-96722706-G-A. GRCh37 (hg19) VCF-style: chr5-96058410-G-A.
Other names: c.21+8G>A (NM_001423254.1, NM_001423259.1, NM_001423253.1 and 21 more transcripts); c.270+8G>A (NM_001042441.3, NM_001330626.2, NM_001042442.3 and 2 more transcripts); c.225+8G>A (NM_001330629.2, NM_001375317.1, NM_001330628.2).
Identifiers: ClinVar variation 3038957 (VCV003038957.4), dbSNP rs370121610, ClinGen allele CA3350739.